The following is an entry in ClinVar:

GRCh38/hg38 19q13.42(chr19:54121739-54129468)x1

Genes: PRPF31 (pre-mRNA processing factor 31; plus strand), PRPF31-AS1 (PRPF31 antisense RNA 1; minus strand). Cytogenetic location: 19q13.42.
Variant type: copy number loss.
Change: copy number 1 (one copy instead of two) of chr19:54,121,739-54,129,468 (7.7 kb, GRCh38 coordinates, 1-based), cytogenetic band 19q13.42.
Identifiers: ClinVar variation 2579238 (VCV002579238.1).

ClinVar aggregate classification (germline): Pathogenic (1 of 4 stars; one submission).

Conditions:
Retinitis pigmentosa 11 (RP11). Identifiers: Orphanet 791, MedGen C1838601, MONDO:0010828, OMIM 600138.

Submission:

Broad Center for Mendelian Genomics, Broad Institute of MIT and Harvard
Classification: Pathogenic for Retinitis pigmentosa 11. Last evaluated: 2023-08-24. Review status: criteria provided, single submitter. Criteria: ACMG/ClinGen CNV Guidelines, 2019. Collection method: research. Allele origin: unknown. Inheritance: Autosomal dominant inheritance. Affected: yes.
Comment: A heterozygous deletion of exons 4-13 in PRPF31 (NM_015629.4) was identified by exome sequencing in one individual with retinitis pigmentosa ([GRCh 38] chr19:54121739_54129468x1)(PMID: 34906470). The presence of this deletion was validated by ddPCR. These breakpoints have been estimated by exome sequencing only and therefore may not reflect the true breakpoints. Inheritance information is unavailable. The patient phenotype is nonspecific, but is consistent with cases described in the literature and/or published databases with overlapping variants. This intragenic variant is predicted to cause a frameshift, which alters the protein’s amino acid sequence beginning at exon 4 and leads to a premature termination codon. This alteration is then predicted to lead to a truncated or absent protein. Although the PRPF31 gene has not yet been evaluated by the ClinGen dosage sensitivity working group, the full gene deletion of PRPF31 has been curated as pathogenic by the Broad Institute Rare Disease Group (Broad Institute) due to a sufficient number LoF variants in this gene being identified in individuals and/or families with retinitis pigmentosa (PMID: 29260190, 29957067, 22334370, 30543658), and therefore heterozygous loss of function of the PRPF31 gene is strongly associated to PRPF31-related retinopathy. In summary, this variant meets criteria to be classified as pathogenic for autosomal dominant retinitis pigmentosa. The ACMG/ClinGen evidence codes and points used in this curation are as follows: 1: 0 points, 2: 0.90 points, 3: 0 points, 4-5: 0.10 points; Total: 1.0 points; Riggs 2020 (PMID: 31690835).

Literature cited by the submitters: PubMed 34906470; PubMed 29260190; PubMed 29957067; PubMed 22334370; PubMed 30543658.